The following is an entry in ClinVar:

NM_024408.4(NOTCH2):c.2080G>C (p.Gly694Arg)

Gene: NOTCH2 (notch receptor 2; minus strand). Cytogenetic location: 1p12.
Variant type: single nucleotide variant.
Coding change: c.2080G>C on transcript NM_024408.4 (MANE Select); coding-DNA position 2080, G replaced by C.
Protein change: p.Gly694Arg; replaces glycine 694 with arginine.
Molecular consequence: missense variant.
Genome position (GRCh38, 1-based): chr1:119,955,179, C>G on the plus strand (G>C on the coding strand, the complement: NOTCH2 is on the minus strand). VCF-style: chr1-119955179-C-G. GRCh37 (hg19) VCF-style: chr1-120497802-C-G.
Other names: c.2080G>C (NM_024408.3); c.2080G>C, p.Gly694Arg (NM_001200001.2); short protein forms G694R.
Identifiers: ClinVar variation 2729288 (VCV002729288.4), dbSNP rs2101124684, ClinGen allele CA341866826.

ClinVar aggregate classification (germline): Uncertain significance. Review status: criteria provided, multiple submitters, no conflicts (2 of 4 stars). 2 submissions from 2 submitters: Uncertain significance (2). Last evaluated 2025-11-24.

Conditions:
Hajdu-Cheney syndrome (HJCYS). Also called: Acroosteolysis dominant type; ACROOSTEOLYSIS WITH OSTEOPOROSIS AND CHANGES IN SKULL AND MANDIBLE; SERPENTINE FIBULA-POLYCYSTIC KIDNEY SYNDROME. Identifiers: Orphanet 955, MedGen C0917715, MONDO:0007057, OMIM 102500.
NOTCH2-related disorder. Also called: NOTCH2-related condition.

gnomAD v4.1: 3 of 1,614,022 alleles (0.00019%); highest among the groups gnomAD compares: Non-Finnish European, 0.00025%; no homozygotes.

Submissions (2):

PreventionGenetics, part of Exact Sciences
Classification: Uncertain significance for NOTCH2-related condition. Last evaluated: 2025-11-24. Review status: criteria provided, single submitter. Criteria: ACMG Guidelines, 2015. Collection method: clinical testing. Allele origin: germline.
Comment: The NOTCH2 c.2080G>C variant is predicted to result in the amino acid substitution p.Gly694Arg. To our knowledge, this variant has not been reported in the literature or in a large population database (gnomAD), indicating this variant is rare. At this time, the clinical significance of this variant is uncertain due to the absence of conclusive functional and genetic evidence.

Labcorp Genetics (formerly Invitae), Labcorp
Classification: Uncertain significance for Hajdu-Cheney syndrome. Last evaluated: 2023-11-07. Review status: criteria provided, single submitter. Criteria: Invitae Variant Classification Sherloc (09022015). Collection method: clinical testing. Allele origin: germline.
Comment: This sequence change replaces glycine, which is neutral and non-polar, with arginine, which is basic and polar, at codon 694 of the NOTCH2 protein (p.Gly694Arg). This variant is not present in population databases (gnomAD no frequency). This variant has not been reported in the literature in individuals affected with NOTCH2-related conditions. Advanced modeling of protein sequence and biophysical properties (such as structural, functional, and spatial information, amino acid conservation, physicochemical variation, residue mobility, and thermodynamic stability) performed at Invitae indicates that this missense variant is expected to disrupt NOTCH2 protein function with a positive predictive value of 95%. In summary, the available evidence is currently insufficient to determine the role of this variant in disease. Therefore, it has been classified as a Variant of Uncertain Significance.